The following is an entry in ClinVar:

ClinVar aggregate classification (germline): Uncertain significance. Review status: criteria provided, multiple submitters, no conflicts (2 of 4 stars). 2 submissions from 2 submitters: Uncertain significance (2). Last evaluated 2025-03-23.

Conditions:
Deficiency of galactokinase. Also called: GALACTOSEMIA II; Galactokinase deficiency with cataracts. Identifiers: Orphanet 352, Orphanet 79237, MedGen C0268155, MONDO:0009255, OMIM 230200.

Allele frequency attached by ClinVar (database versions not stated): gnomAD 0.00001; gnomAD exomes 0.00001 and 0.00005; TOPMed 0.00001; ExAC 0.00005.

Submissions (2):

GeneDx
Classification: Uncertain significance. Last evaluated: 2025-03-23. Review status: criteria provided, single submitter. Criteria: GeneDx Variant Classification Process June 2021. Collection method: clinical testing. Allele origin: germline. Affected: yes.
Comment: In silico analysis supports that this missense variant has a deleterious effect on protein structure/function; Has not been previously published as pathogenic or benign to our knowledge

Labcorp Genetics (formerly Invitae), Labcorp
Classification: Uncertain significance for Deficiency of galactokinase. Last evaluated: 2021-08-31. Review status: criteria provided, single submitter. Criteria: Invitae Variant Classification Sherloc (09022015). Collection method: clinical testing. Allele origin: germline.
Comment: This sequence change replaces proline with leucine at codon 35 of the GALK1 protein (p.Pro35Leu). The proline residue is highly conserved and there is a moderate physicochemical difference between proline and leucine. This variant is present in population databases (rs766223704, ExAC 0.06%). This variant has not been reported in the literature in individuals affected with GALK1-related conditions. Algorithms developed to predict the effect of missense changes on protein structure and function are either unavailable or do not agree on the potential impact of this missense change (SIFT: "Deleterious"; PolyPhen-2: "Probably Damaging"; Align-GVGD: "Class C0"). In summary, the available evidence is currently insufficient to determine the role of this variant in disease. Therefore, it has been classified as a Variant of Uncertain Significance.

NM_000154.2(GALK1):c.104C>T (p.Pro35Leu)

Gene: GALK1 (galactokinase 1; minus strand). Cytogenetic location: 17q25.1.
Variant type: single nucleotide variant.
Coding change: c.104C>T on transcript NM_000154.2 (MANE Select); coding-DNA position 104, C replaced by T.
Protein change: p.Pro35Leu; replaces proline 35 with leucine.
Molecular consequence: missense variant.
Genome position (GRCh38, 1-based): chr17:75,765,033, G>A on the plus strand (C>T on the coding strand, the complement: GALK1 is on the minus strand). VCF-style: chr17-75765033-G-A. GRCh37 (hg19) VCF-style: chr17-73761114-G-A.
Other names: c.104C>T, p.Pro35Leu (NM_001381985.1); c.104C>T (NM_000154.1); short protein forms P35L.
Identifiers: ClinVar variation 1415813 (VCV001415813.6), dbSNP rs766223704, ClinGen allele CA8771140.
Genomic context (GRCh38, chr17:75,765,033, plus strand): 5'-ATAGGCAGCACCAGGCCCTGGTTGTAGTCCGTGTGTTCCCCGATGAGGTTGACGCGGCCC[G>A]GCGCTGACACGGCCAGCTCGGGCTCGGCCCCGAACTCCTCCCGGAAGGCTCGCCGGGCCT-3'
Protein context (NP_000145.1, residues 25-45): GAEPELAVSA[Pro35Leu]GRVNLIGEHT